The following is an entry in ClinVar:

NM_001848.3(COL6A1):c.957+6C>T

Gene: COL6A1 (collagen type VI alpha 1 chain; plus strand). Cytogenetic location: 21q22.3.
Variant type: single nucleotide variant.
Coding change: c.957+6C>T on transcript NM_001848.3 (MANE Select); 6 bases into the intron after coding-DNA position 957, C replaced by T.
Molecular consequence: intron variant.
Genome position (GRCh38, 1-based): chr21:45,990,290, C>T. VCF-style: chr21-45990290-C-T. GRCh37 (hg19) VCF-style: chr21-47410204-C-T.
Identifiers: ClinVar variation 288680 (VCV000288680.15), dbSNP rs374926748, ClinGen allele CA10069918.
Genomic context (GRCh38, chr21:45,990,290, plus strand): 5'-CCCTCACACCCGCTTCCTGTCTCCGCAGGGCTCCAGGGGACCCAAGGGCTACAAGGTGAG[C>T]GTGGGCTGCTGGGAGGGGGGAGTTCTGCCCCCACGGCAGCATGTCTGACCTGCATCTGAC-3'

ClinVar aggregate classification (germline): Conflicting classifications of pathogenicity. Review status: criteria provided, conflicting classifications (1 of 4 stars). 3 submissions from 3 submitters: Uncertain significance (2); Likely benign (1). Last evaluated 2025-10-02.

Conditions:
Collagen 6-related myopathy. Identifiers: MedGen CN117976, MONDO:0100225.
Bethlem myopathy 1A. Also called: Bethlem Muscular Dystrophy; MYOPATHY, BENIGN CONGENITAL, WITH CONTRACTURES; Bethlem myopathy 1. Identifiers: Orphanet 610, MedGen CN029274, MONDO:0024530, OMIM 158810.

Allele frequency attached by ClinVar (database versions not stated): gnomAD exomes 0.00006 and 0.00011; ExAC 0.00008; TOPMed 0.00014; ESP Exome Variant Server 0.00015; 1000 Genomes Project 30x 0.00016; 1000 Genomes Project 0.00020; gnomAD 0.00025.
gnomAD v4.1: 128 of 1,612,776 alleles (0.0079%); highest among the groups gnomAD compares: Admixed American, 0.063%; no homozygotes.

Submissions (3):

Labcorp Genetics (formerly Invitae), Labcorp
Classification: Uncertain significance for Bethlem myopathy 1A. Last evaluated: 2025-10-02. Review status: criteria provided, single submitter. Criteria: Invitae Variant Classification Sherloc (09022015). Collection method: clinical testing. Allele origin: germline.
Comment: This sequence change falls in intron 12 of the COL6A1 gene. It does not directly change the encoded amino acid sequence of the COL6A1 protein. It affects a nucleotide within the consensus splice site. This variant is present in population databases (rs374926748, gnomAD 0.04%). This variant has not been reported in the literature in individuals affected with COL6A1-related conditions. ClinVar contains an entry for this variant (Variation ID: 288680). Variants that disrupt the consensus splice site are a relatively common cause of aberrant splicing (PMID: 17576681, 9536098). Algorithms developed to predict the effect of sequence changes on RNA splicing suggest that this variant is not likely to affect RNA splicing. In summary, the available evidence is currently insufficient to determine the role of this variant in disease. Therefore, it has been classified as a Variant of Uncertain Significance.

Illumina Laboratory Services, Illumina
Classification: Likely benign for Collagen VI-related myopathy. Last evaluated: 2018-01-13. Review status: criteria provided, single submitter. Criteria: ICSL Variant Classification Criteria 13 December 2019. Collection method: clinical testing. Allele origin: germline.
Comment: This variant was observed in the ICSL laboratory as part of a predisposition screen in an ostensibly healthy population. It had not been previously curated by ICSL or reported in the Human Gene Mutation Database (HGMD: prior to June 1st, 2018), and was therefore a candidate for classification through an automated scoring system. Utilizing variant allele frequency, disease prevalence and penetrance estimates, and inheritance mode, an automated score was calculated to assess if this variant is too frequent to cause the disease. Based on the score and internal cut-off values, a variant classified as likely benign is not then subjected to further curation. The score for this variant resulted in a classification of likely benign for this disease.

Eurofins Ntd Llc (ga)
Classification: Uncertain significance. Last evaluated: 2016-06-14. Review status: criteria provided, single submitter. Criteria: EGL Classification Definitions 2015. Collection method: clinical testing. Allele origin: germline. Observed: 1 variant allele, 1 heterozygote.

Literature cited by the submitters: PubMed 17576681 (cited by Labcorp Genetics (formerly Invitae), Labcorp); PubMed 9536098 (cited by Labcorp Genetics (formerly Invitae), Labcorp).